The following is an entry in ClinVar:

ClinVar aggregate classification (germline): Uncertain significance (1 of 4 stars; one submission).

gnomAD v4.1: 3 of 1,240,718 alleles (0.00024%); highest among the groups gnomAD compares: Non-Finnish European, 0.0003%; no homozygotes.

Submission:

Labcorp Genetics (formerly Invitae), Labcorp
Classification: Uncertain significance. Last evaluated: 2024-08-21. Review status: criteria provided, single submitter. Criteria: Invitae Variant Classification Sherloc (09022015). Collection method: clinical testing. Allele origin: germline.
Comment: This sequence change replaces proline, which is neutral and non-polar, with serine, which is neutral and polar, at codon 60 of the FBXO11 protein (p.Pro60Ser). This variant is not present in population databases (gnomAD no frequency). This variant has not been reported in the literature in individuals affected with FBXO11-related conditions. Experimental studies and prediction algorithms are not available or were not evaluated, and the functional significance of this variant is currently unknown. In summary, the available evidence is currently insufficient to determine the role of this variant in disease. Therefore, it has been classified as a Variant of Uncertain Significance.

NM_001190274.2(FBXO11):c.178C>T (p.Pro60Ser)

Gene: FBXO11 (F-box protein 11; minus strand). Cytogenetic location: 2p16.3.
Variant type: single nucleotide variant.
Coding change: c.178C>T on transcript NM_001190274.2 (MANE Select); coding-DNA position 178, C replaced by T.
Protein change: p.Pro60Ser; replaces proline 60 with serine.
Molecular consequence: missense variant.
Genome position (GRCh38, 1-based): chr2:47,905,543, G>A on the plus strand (C>T on the coding strand, the complement: FBXO11 is on the minus strand). VCF-style: chr2-47905543-G-A. GRCh37 (hg19) VCF-style: chr2-48132682-G-A.
Other names: short protein forms P60S.
Identifiers: ClinVar variation 3677389 (VCV003677389.2).